The following is an entry in ClinVar:

ClinVar aggregate classification (germline): Pathogenic/Likely pathogenic. Review status: criteria provided, multiple submitters, no conflicts (2 of 4 stars). 2 submissions from 2 submitters: Pathogenic (1); Likely pathogenic (1). Last evaluated 2025-10-14.

Conditions:
Alacrima, achalasia, and impaired intellectual development syndrome. Also called: Alacrima, achalasia, and mental retardation syndrome; Alacrima, achalasia, and intellectual disability syndrome. Identifiers: Orphanet 869, MedGen C4706563, MONDO:0014219, OMIM 615510.

Submissions (2):

Laboratorio de Genetica e Diagnostico Molecular, Hospital Israelita Albert Einstein
Classification: Likely pathogenic for Alacrima, achalasia, and impaired intellectual development syndrome. Last evaluated: 2025-10-14. Review status: criteria provided, single submitter. Criteria: ACMG Guidelines, 2015. Collection method: clinical testing. Allele origin: germline. Affected: yes.
Comment: ACMG classification criteria: PVS1 very strong, PM2 supporting

Labcorp Genetics (formerly Invitae), Labcorp
Classification: Pathogenic for Alacrima, achalasia, and impaired intellectual development syndrome. Last evaluated: 2025-04-21. Review status: criteria provided, single submitter. Criteria: Invitae Variant Classification Sherloc (09022015). Collection method: clinical testing. Allele origin: germline.
Comment: This sequence change creates a premature translational stop signal (p.Gln67*) in the GMPPA gene. It is expected to result in an absent or disrupted protein product. Loss-of-function variants in GMPPA are known to be pathogenic (PMID: 24035193). This variant is not present in population databases (gnomAD no frequency). This variant has not been reported in the literature in individuals affected with GMPPA-related conditions. Algorithms developed to predict the effect of sequence changes on RNA splicing suggest that this variant may disrupt the consensus splice site. For these reasons, this variant has been classified as Pathogenic.

Literature cited by the submitters: PubMed 24035193 (cited by Labcorp Genetics (formerly Invitae), Labcorp).

NM_013335.4(GMPPA):c.199C>T (p.Gln67Ter)

Genes: ASIC4-AS1 (ASIC4 antisense RNA 1; minus strand), GMPPA (GDP-mannose pyrophosphorylase A; plus strand). Cytogenetic location: 2q35.
Variant type: single nucleotide variant.
Coding change: c.199C>T on transcript NM_013335.4 (MANE Select); coding-DNA position 199, C replaced by T.
Protein change: p.Gln67Ter; replaces glutamine 67 with a stop codon.
Molecular consequence: nonsense.
Genome position (GRCh38, 1-based): chr2:219,501,536, C>T. VCF-style: chr2-219501536-C-T. GRCh37 (hg19) VCF-style: chr2-220366258-C-T.
Other names: c.199C>T, p.Gln67Ter (NM_001374294.1, NM_001374295.1, NM_001438893.1 and 3 more transcripts); short protein forms Q67*.
Identifiers: ClinVar variation 4782208 (VCV004782208.2).
Genomic context (GRCh38, chr2:219,501,536, plus strand): 5'-GTCCCTGGAATGCAGGAGATTCTGCTCATTGGCTTCTACCAACCTGATGAGCCCCTCACC[C>T]AGTTCCTAGAAGCCGCCCAGCAGGAGTTTAACCTTCCAGTCAGGTGTTTGTGCACACACT-3'